The following is an entry in ClinVar:

ClinVar aggregate classification (germline): Uncertain significance. Review status: criteria provided, multiple submitters, no conflicts (2 of 4 stars). 2 submissions from 2 submitters: Uncertain significance (2). Last evaluated 2025-03-27.

Conditions:
Familial focal epilepsy with variable foci (FPEVF). Identifiers: Orphanet 98820, MedGen C1858477, MONDO:0020310.

Submissions (2):

Labcorp Genetics (formerly Invitae), Labcorp
Classification: Uncertain significance for Familial focal epilepsy with variable foci. Last evaluated: 2025-03-27. Review status: criteria provided, single submitter. Criteria: Invitae Variant Classification Sherloc (09022015). Collection method: clinical testing. Allele origin: germline.
Comment: This sequence change replaces alanine, which is neutral and non-polar, with glycine, which is neutral and non-polar, at codon 1425 of the DEPDC5 protein (p.Ala1425Gly). This variant is not present in population databases (gnomAD no frequency). This variant has not been reported in the literature in individuals affected with DEPDC5-related conditions. ClinVar contains an entry for this variant (Variation ID: 1675300). Experimental studies and prediction algorithms are not available or were not evaluated, and the functional significance of this variant is currently unknown. In summary, the available evidence is currently insufficient to determine the role of this variant in disease. Therefore, it has been classified as a Variant of Uncertain Significance.

GeneDx
Classification: Uncertain significance. Last evaluated: 2021-09-30. Review status: criteria provided, single submitter. Criteria: GeneDx Variant Classification Process June 2021. Collection method: clinical testing. Allele origin: germline. Affected: yes.
Comment: Not observed at significant frequency in large population cohorts (gnomAD); In silico analysis supports that this missense variant has a deleterious effect on protein structure/function; Has not been previously published as pathogenic or benign to our knowledge

NM_001242896.3(DEPDC5):c.4274C>G (p.Ala1425Gly)

Gene: DEPDC5 (DEP domain containing 5, GATOR1 subcomplex subunit; plus strand). Cytogenetic location: 22q12.3.
Variant type: single nucleotide variant.
Coding change: c.4274C>G on transcript NM_001242896.3 (MANE Select); coding-DNA position 4274, C replaced by G.
Protein change: p.Ala1425Gly; replaces alanine 1425 with glycine.
Molecular consequence: missense variant. On other transcripts: non-coding transcript variant (5).
Genome position (GRCh38, 1-based): chr22:31,897,552, C>G. VCF-style: chr22-31897552-C-G. GRCh37 (hg19) VCF-style: chr22-32293538-C-G.
Other names: c.4247C>G, p.Ala1416Gly (NM_001136029.4); c.3974C>G, p.Ala1325Gly (NM_001242897.2); c.4208C>G, p.Ala1403Gly (NM_001363852.2, NM_001364320.2); c.4040C>G, p.Ala1347Gly (NM_001363854.2, NM_001364319.2); c.4274C>G, p.Ala1425Gly (NM_001364318.2); c.4190C>G, p.Ala1397Gly (NM_001369901.1, NM_001369902.1); c.4181C>G, p.Ala1394Gly (NM_001369903.1, NM_014662.6); short protein forms A1325G, A1347G, A1394G, A1397G, A1403G, A1416G, A1425G.
Identifiers: ClinVar variation 1675300 (VCV001675300.3), dbSNP rs2149397382, ClinGen allele CA411288304.
Genomic context (GRCh38, chr22:31,897,552, plus strand): 5'-GGCATCGGAAAGCCACCTCCTGTGGCTTCTTGTTAGTCCCAGTTTTGGAGGGGCCTTTTG[C>G]ACTGCCCAGTTACCTGTATGGCGACCCCCTTCGTGCCCAGCTCTTCATCCCACTCAACAT-3'
Protein context (NP_001229825.1, residues 1415-1435): LLVPVLEGPF[Ala1425Gly]LPSYLYGDPL